The following is an entry in ClinVar:

NM_017763.6(RNF43):c.349dup (p.Arg117fs)

Gene: RNF43 (ring finger protein 43; minus strand). Cytogenetic location: 17q22.
Variant type: Duplication.
Coding change: c.349dup on transcript NM_017763.6 (MANE Select); coding-DNA position 349, one base duplicated (C; older notation c.349dupC).
Protein change: p.Arg117fs; shifts the reading frame from arginine 117.
Molecular consequence: frameshift variant. On other transcripts: 5 prime UTR variant (2).
Genome position (GRCh38, 1-based): chr17:58,370,937, G duplicated on the plus strand (C on the coding strand, the reverse complement: RNF43 is on the minus strand); the first of 6 consecutive G bases (chr17:58,370,937-58,370,942); duplicating any one gives the same sequence. VCF-style (leftmost placement, unchanged base first): chr17-58370936-C-CG. GRCh37 (hg19) VCF-style: chr17-56448297-C-CG.
Other names: c.349dup, p.Arg117fs (NM_001305544.3, NM_001438820.1, NM_001438821.1 and 1 more transcripts); c.-33dup (NM_001305545.2, NM_001437987.1); c.349dupC (NM_017763.6); short protein forms R117fs.
Identifiers: ClinVar variation 4539774 (VCV004539774.2).

ClinVar aggregate classification (germline): Pathogenic (1 of 4 stars; one submission).
ClinVar aggregate classification (oncogenicity): Likely oncogenic (1 of 4 stars; one submission).

Conditions:
Sessile serrated polyposis cancer syndrome (SSPCS). Identifiers: Orphanet 157798, MedGen C4310714, MONDO:0014919, OMIM 617108.
Neoplasm. Also called: Neoplasms; Neoplasm (disease); tumor. Identifiers: MedGen C0027651, MeSH D009369, MONDO:0005070, HP:0002664.

Submissions (2):

Center for Genomic Medicine, Rigshospitalet, Copenhagen University Hospital
Classification: Likely oncogenic for Neoplasm. Last evaluated: 2025-12-29. Review status: criteria provided, single submitter. Criteria: ClinGen/CGC/VICC Guidelines for Oncogenicity, 2022. Collection method: clinical testing. Allele origin: somatic. Affected: yes.

Myriad Genetics, Inc.
Classification: Pathogenic for Sessile serrated polyposis cancer syndrome. Last evaluated: 2025-12-12. Review status: criteria provided, single submitter. Criteria: Myriad Autosomal Dominant, Autosomal Recessive and X-Linked Classification Criteria (2023). Collection method: clinical testing. Allele origin: unknown.
Comment: This variant is considered pathogenic. This variant creates a frameshift predicted to result in premature protein truncation.

Literature cited by the submitters: PubMed 33067269 (cited by Center for Genomic Medicine, Rigshospitalet, Copenhagen University Hospital); PubMed 26350900 (cited by Center for Genomic Medicine, Rigshospitalet, Copenhagen University Hospital).